The following is an entry in ClinVar:

NM_001287.6(CLCN7):c.2322C>G (p.Asn774Lys)

Gene: CLCN7 (chloride voltage-gated channel 7; minus strand). Cytogenetic location: 16p13.3.
Variant type: single nucleotide variant.
Coding change: c.2322C>G on transcript NM_001287.6 (MANE Select); coding-DNA position 2322, C replaced by G.
Protein change: p.Asn774Lys; replaces asparagine 774 with lysine.
Molecular consequence: missense variant.
Genome position (GRCh38, 1-based): chr16:1,447,015, G>C on the plus strand (C>G on the coding strand, the complement: CLCN7 is on the minus strand). VCF-style: chr16-1447015-G-C. GRCh37 (hg19) VCF-style: chr16-1497016-G-C.
Other names: c.2250C>G, p.Asn750Lys (NM_001114331.3); short protein forms N750K, N774K.
Identifiers: ClinVar variation 1713398 (VCV001713398.5), dbSNP rs2505810904, ClinGen allele CA394185103.

ClinVar aggregate classification (germline): Uncertain significance (1 of 4 stars; one submission).

Submission:

Labcorp Genetics (formerly Invitae), Labcorp
Classification: Uncertain significance. Last evaluated: 2023-12-11. Review status: criteria provided, single submitter. Criteria: Invitae Variant Classification Sherloc (09022015). Collection method: clinical testing. Allele origin: germline.
Comment: This sequence change replaces asparagine, which is neutral and polar, with lysine, which is basic and polar, at codon 774 of the CLCN7 protein (p.Asn774Lys). This variant is not present in population databases (gnomAD no frequency). This variant has not been reported in the literature in individuals affected with CLCN7-related conditions. ClinVar contains an entry for this variant (Variation ID: 1713398). Advanced modeling of protein sequence and biophysical properties (such as structural, functional, and spatial information, amino acid conservation, physicochemical variation, residue mobility, and thermodynamic stability) performed at Invitae indicates that this missense variant is not expected to disrupt CLCN7 protein function with a negative predictive value of 95%. In summary, the available evidence is currently insufficient to determine the role of this variant in disease. Therefore, it has been classified as a Variant of Uncertain Significance.